The following is an entry in ClinVar:

NM_000051.4(ATM):c.6198+2T>G

Genes: ATM (ATM serine/threonine kinase; plus strand), C11orf65 (chromosome 11 open reading frame 65; minus strand). Cytogenetic location: 11q22.3.
Variant type: single nucleotide variant.
Coding change: c.6198+2T>G on transcript NM_000051.4 (MANE Select); the canonical splice donor site of the intron after coding-DNA position 6198, T replaced by G.
Molecular consequence: splice donor variant. On other transcripts: intron variant (2).
Genome position (GRCh38, 1-based): chr11:108,316,115, T>G. VCF-style: chr11-108316115-T-G. GRCh37 (hg19) VCF-style: chr11-108186842-T-G.
Other names: c.6198+2T>G (NM_001351834.2); c.641-7044A>C (NM_001330368.2); c.*39-7044A>C (NM_001351110.2).
Identifiers: ClinVar variation 1390203 (VCV001390203.7), dbSNP rs1555113882, ClinGen allele CA382550828.

ClinVar aggregate classification (germline): Pathogenic (1 of 4 stars; one submission).

Conditions:
Ataxia-telangiectasia syndrome (AT). Also called: Ataxia-telangiectasia; LOUIS-BAR SYNDROME; Ataxia-telangiectasia, complementation group D; AT, COMPLEMENTATION GROUP C; ATAXIA-TELANGIECTASIA, COMPLEMENTATION GROUP A; ATAXIA-TELANGIECTASIA, FRESNO VARIANT. Identifiers: Orphanet 100, MedGen C0004135, MONDO:0008840, OMIM 208900.

Submission:

Labcorp Genetics (formerly Invitae), Labcorp
Classification: Pathogenic for Ataxia-telangiectasia syndrome. Last evaluated: 2022-06-07. Review status: criteria provided, single submitter. Criteria: Invitae Variant Classification Sherloc (09022015). Collection method: clinical testing. Allele origin: germline.
Comment: For these reasons, this variant has been classified as Pathogenic. Algorithms developed to predict the effect of sequence changes on RNA splicing suggest that this variant may disrupt the consensus splice site. ClinVar contains an entry for this variant (Variation ID: 1390203). Disruption of this splice site has been observed in individuals with ataxia-telangiectasia (PMID: 21459046, 26220245, 26915675). This variant is not present in population databases (gnomAD no frequency). This sequence change affects a donor splice site in intron 42 of the ATM gene. It is expected to disrupt RNA splicing. Variants that disrupt the donor or acceptor splice site typically lead to a loss of protein function (PMID: 16199547), and loss-of-function variants in ATM are known to be pathogenic (PMID: 23807571, 25614872).

Literature cited by the submitters: PubMed 21459046; PubMed 26220245; PubMed 26915675; PubMed 16199547; PubMed 23807571; PubMed 25614872.